The following is an entry in ClinVar:

NM_004183.4(BEST1):c.448C>G (p.Arg150Gly)

Gene: BEST1 (bestrophin 1; plus strand). Cytogenetic location: 11q12.3.
Variant type: single nucleotide variant.
Coding change: c.448C>G on transcript NM_004183.4 (MANE Select); coding-DNA position 448, C replaced by G.
Protein change: p.Arg150Gly; replaces arginine 150 with glycine.
Molecular consequence: missense variant. On other transcripts: non-coding transcript variant (1).
Genome position (GRCh38, 1-based): chr11:61,955,918, C>G. VCF-style: chr11-61955918-C-G. GRCh37 (hg19) VCF-style: chr11-61723390-C-G.
Other names: c.268C>G, p.Arg90Gly (NM_001139443.3, NM_001300786.2, NM_001300787.2); c.130C>G, p.Arg44Gly (NM_001363591.3); c.448C>G, p.Arg150Gly (NM_001363592.2); c.-728C>G (NM_001363593.3); short protein forms R90G, R44G, R150G.
Identifiers: ClinVar variation 1028198 (VCV001028198.2), dbSNP rs1177798663, ClinGen allele CA380835414.

ClinVar aggregate classification (germline): Uncertain significance. Review status: criteria provided, multiple submitters, no conflicts (2 of 4 stars). 2 submissions from 2 submitters: Uncertain significance (2). Last evaluated 2024-12-19.

Conditions:
Vitelliform macular dystrophy 2. Also called: MACULAR DEGENERATION, POLYMORPHIC VITELLINE; VITELLIFORM MACULAR DYSTROPHY, EARLY-ONSET; VITELLIFORM MACULAR DYSTROPHY, JUVENILE-ONSET; Best vitelliform macular dystrophy, multifocal; Best Macular Dystrophy; Best Vitelliform Macular Dystrophy (BVMD). Identifiers: Orphanet 1243, MedGen C2745945, MONDO:0007931, OMIM 153700.
Autosomal recessive bestrophinopathy. Also called: Autosomal Recessive Bestrophinopathy (ARB). Identifiers: Orphanet 139455, MedGen C3888198, MONDO:0012733, OMIM 611809.

gnomAD v4.1: 1 of 1,549,962 alleles (0.000065%); highest among the groups gnomAD compares: Non-Finnish European, 0.000087%; no homozygotes.

Submissions (2):

Genomic Medicine Center of Excellence, King Faisal Specialist Hospital and Research Centre
Classification: Uncertain significance for Vitelliform macular dystrophy 2. Last evaluated: 2024-12-19. Review status: criteria provided, single submitter. Criteria: ACMG Guidelines, 2015. Collection method: clinical testing. Allele origin: germline.

Baylor Genetics
Classification: Uncertain significance for Autosomal recessive bestrophinopathy. Last evaluated: 2019-12-11. Review status: criteria provided, single submitter. Criteria: ACMG Guidelines, 2015. Collection method: clinical testing. Allele origin: unknown. Affected: yes.
Comment: This variant was determined to be of uncertain significance according to ACMG Guidelines, 2015 [PMID:25741868].